The following is an entry in ClinVar:

ClinVar aggregate classification (germline): Uncertain significance (1 of 4 stars; one submission).

Submission:

Labcorp Genetics (formerly Invitae), Labcorp
Classification: Uncertain significance. Last evaluated: 2024-11-27. Review status: criteria provided, single submitter. Criteria: Invitae Variant Classification Sherloc (09022015). Collection method: clinical testing. Allele origin: germline.
Comment: This sequence change replaces proline, which is neutral and non-polar, with alanine, which is neutral and non-polar, at codon 1740 of the GPR179 protein (p.Pro1740Ala). This variant is present in population databases (rs776005226, gnomAD 0.03%). This variant has not been reported in the literature in individuals affected with GPR179-related conditions. An algorithm developed to predict the effect of missense changes on protein structure and function (PolyPhen-2) suggests that this variant is likely to be disruptive. In summary, the available evidence is currently insufficient to determine the role of this variant in disease. Therefore, it has been classified as a Variant of Uncertain Significance.

NM_001004334.4(GPR179):c.5218C>G (p.Pro1740Ala)

Gene: GPR179 (G protein-coupled receptor 179; minus strand). Cytogenetic location: 17q12.
Variant type: single nucleotide variant.
Coding change: c.5218C>G on transcript NM_001004334.4 (MANE Select); coding-DNA position 5218, C replaced by G.
Protein change: p.Pro1740Ala; replaces proline 1740 with alanine.
Molecular consequence: missense variant.
Genome position (GRCh38, 1-based): chr17:38,328,351, G>C on the plus strand (C>G on the coding strand, the complement: GPR179 is on the minus strand). VCF-style: chr17-38328351-G-C. GRCh37 (hg19) VCF-style: chr17-36484234-G-C.
Other names: short protein forms P1740A.
Identifiers: ClinVar variation 3618711 (VCV003618711.2).